The following is an entry in ClinVar:

ClinVar aggregate classification (germline): Uncertain significance. Review status: criteria provided, multiple submitters, no conflicts (2 of 4 stars). 2 submissions from 2 submitters: Uncertain significance (2). Last evaluated 2025-11-27.

gnomAD v4.1: 20 of 1,614,004 alleles (0.0012%); highest among the groups gnomAD compares: African/African-American, 0.02%; no homozygotes.

Submissions (2):

Ambry Genetics
Classification: Uncertain significance. Last evaluated: 2025-11-27. Review status: criteria provided, single submitter. Criteria: Ambry Variant Classification Scheme 2023. Collection method: clinical testing. Allele origin: germline.

Labcorp Genetics (formerly Invitae), Labcorp
Classification: Uncertain significance. Last evaluated: 2024-06-25. Review status: criteria provided, single submitter. Criteria: Invitae Variant Classification Sherloc (09022015). Collection method: clinical testing. Allele origin: germline.
Comment: This sequence change replaces histidine, which is basic and polar, with tyrosine, which is neutral and polar, at codon 274 of the ATPAF2 protein (p.His274Tyr). This variant is present in population databases (rs545332138, gnomAD 0.02%). This variant has not been reported in the literature in individuals affected with ATPAF2-related conditions. An algorithm developed to predict the effect of missense changes on protein structure and function (PolyPhen-2) suggests that this variant is likely to be tolerated. In summary, the available evidence is currently insufficient to determine the role of this variant in disease. Therefore, it has been classified as a Variant of Uncertain Significance.

NM_145691.4(ATPAF2):c.820C>T (p.His274Tyr)

Gene: ATPAF2 (ATP synthase mitochondrial F1 complex assembly factor 2; minus strand). Cytogenetic location: 17p11.2.
Variant type: single nucleotide variant.
Coding change: c.820C>T on transcript NM_145691.4 (MANE Select); coding-DNA position 820, C replaced by T.
Protein change: p.His274Tyr; replaces histidine 274 with tyrosine.
Molecular consequence: missense variant.
Genome position (GRCh38, 1-based): chr17:18,018,599, G>A on the plus strand (C>T on the coding strand, the complement: ATPAF2 is on the minus strand). VCF-style: chr17-18018599-G-A. GRCh37 (hg19) VCF-style: chr17-17921913-G-A.
Other names: c.820C>T (NM_145691.3); short protein forms H274Y.
Identifiers: ClinVar variation 3605086 (VCV003605086.3).